The following is an entry in ClinVar:

NM_000383.4(AIRE):c.161del (p.Gly54fs)

Gene: AIRE (autoimmune regulator; plus strand). Cytogenetic location: 21q22.3.
Variant type: Deletion.
Coding change: c.161del on transcript NM_000383.4 (MANE Select); coding-DNA position 161, one base deleted (G; older notation c.161delG).
Protein change: p.Gly54fs; shifts the reading frame from glycine 54.
Molecular consequence: frameshift variant.
Genome position (GRCh38, 1-based): chr21:44,286,585, G deleted; the last of 3 consecutive G bases (chr21:44,286,583-44,286,585); deleting any one gives the same sequence. VCF-style (leftmost placement, unchanged base first): chr21-44286582-AG-A. GRCh37 (hg19) VCF-style: chr21-45706465-AG-A.
Other names: short protein forms G54fs.
Identifiers: ClinVar variation 5014948 (VCV005014948.1).

ClinVar aggregate classification (germline): Pathogenic (1 of 4 stars; one submission).

Conditions:
Polyglandular autoimmune syndrome, type 1 (APS1). Also called: AUTOIMMUNE POLYENDOCRINE SYNDROME, TYPE I, WITH OR WITHOUT REVERSIBLE METAPHYSEAL DYSPLASIA; APS I; HYPOADRENOCORTICISM WITH HYPOPARATHYROIDISM AND SUPERFICIAL MONILIASIS; PGA I; Autoimmune polyendocrine syndrome type 1; Whitaker syndrome. Identifiers: Orphanet 3453, MedGen C0085859, MONDO:0009411, OMIM 240300.

Submission:

Myriad Genetics, Inc.
Classification: Pathogenic for Polyglandular autoimmune syndrome, type 1. Last evaluated: 2025-09-07. Review status: criteria provided, single submitter. Criteria: Myriad Autosomal Dominant, Autosomal Recessive and X-Linked Classification Criteria (2023). Collection method: clinical testing. Allele origin: unknown.
Comment: NM_000383.3(AIRE):c.161delG(G54Afs*14) is expected to be pathogenic in the context of autoimmune polyglandular syndrome type 1. This variant is predicted to lead to an abnormal or absent protein product due to the creation of a premature termination codon in AIRE, a gene where loss-of-function variants are known to be pathogenic. Please note: this variant was assessed in the context of healthy population screening.